The following is an entry in ClinVar:

NM_000187.4(HGD):c.673del (p.Arg225fs)

Gene: HGD (homogentisate 1,2-dioxygenase; minus strand). Cytogenetic location: 3q13.33.
Variant type: Deletion.
Coding change: c.673del on transcript NM_000187.4 (MANE Select); coding-DNA position 673, one base deleted (C; older notation c.673delC).
Protein change: p.Arg225fs; shifts the reading frame from arginine 225.
Molecular consequence: frameshift variant.
Genome position (GRCh38, 1-based): chr3:120,644,420, G deleted on the plus strand (C on the coding strand, the reverse complement: HGD is on the minus strand). VCF-style (leftmost placement, unchanged base first): chr3-120644419-CG-C. GRCh37 (hg19) VCF-style: chr3-120363266-CG-C.
Other names: short protein forms R225fs.
Identifiers: ClinVar variation 2191885 (VCV002191885.4), dbSNP rs2472690178, ClinGen allele CA2580068604.

ClinVar aggregate classification (germline): Pathogenic (1 of 4 stars; one submission).

Conditions:
Alkaptonuria (AKU). Also called: Alcaptonuria; Homogentisic acidura; Alkaptonuric ochronosis; HOMOGENTISIC ACID OXIDASE DEFICIENCY. Identifiers: Orphanet 56, MedGen C0002066, MONDO:0008753, OMIM 203500.

Submission:

Labcorp Genetics (formerly Invitae), Labcorp
Classification: Pathogenic for Alkaptonuria. Last evaluated: 2022-09-14. Review status: criteria provided, single submitter. Criteria: Invitae Variant Classification Sherloc (09022015). Collection method: clinical testing. Allele origin: germline.
Comment: This sequence change creates a premature translational stop signal (p.Arg225Valfs*4) in the HGD gene. It is expected to result in an absent or disrupted protein product. Loss-of-function variants in HGD are known to be pathogenic (PMID: 12501223, 19862842). This variant is not present in population databases (gnomAD no frequency). This variant has not been reported in the literature in individuals affected with HGD-related conditions. For these reasons, this variant has been classified as Pathogenic.

Literature cited by the submitters: PubMed 12501223; PubMed 19862842.